The following is an entry in ClinVar:

ClinVar aggregate classification (germline): Uncertain significance (1 of 4 stars; one submission).

Submission:

Labcorp Genetics (formerly Invitae), Labcorp
Classification: Uncertain significance. Last evaluated: 2021-11-06. Review status: criteria provided, single submitter. Criteria: Invitae Variant Classification Sherloc (09022015). Collection method: clinical testing. Allele origin: germline.
Comment: In summary, the available evidence is currently insufficient to determine the role of this variant in disease. Therefore, it has been classified as a Variant of Uncertain Significance. Variants that disrupt the consensus splice site are a relatively common cause of aberrant splicing (PMID: 17576681, 9536098). Algorithms developed to predict the effect of sequence changes on RNA splicing suggest that this variant is not likely to affect RNA splicing. This variant has not been reported in the literature in individuals affected with REST-related conditions. This variant is not present in population databases (gnomAD no frequency). This sequence change falls in intron 3 of the REST gene. It does not directly change the encoded amino acid sequence of the REST protein. It affects a nucleotide within the consensus splice site.

Literature cited by the submitters: PubMed 17576681; PubMed 9536098.

NM_005612.5(REST):c.982+3T>G

Gene: REST (RE1 silencing transcription factor; plus strand). Cytogenetic location: 4q12.
Variant type: single nucleotide variant.
Coding change: c.982+3T>G on transcript NM_005612.5 (MANE Select); 3 bases into the intron after coding-DNA position 982, T replaced by G.
Molecular consequence: intron variant.
Genome position (GRCh38, 1-based): chr4:56,919,873, T>G. VCF-style: chr4-56919873-T-G. GRCh37 (hg19) VCF-style: chr4-57786039-T-G.
Other names: c.898+8337T>G (NM_001440532.1, NM_001440533.1); c.982+3T>G (NM_001363453.3, NM_001193508.2).
Identifiers: ClinVar variation 1382170 (VCV001382170.6), dbSNP rs2109546413, ClinGen allele CA2573138326.
Genomic context (GRCh38, chr4:56,919,873, plus strand): 5'-TGTCCTTACTCAAGTTCTCAGAAGACTCATCTAACTAGACATATGCGTACTCATTCAGGT[T>G]GGTAAGAAATTGGAACTTTTCTATCATTTTCAGTAAATGACCATTTTAAGGAAATTCTTT-3'